The following is an entry in ClinVar:

ClinVar aggregate classification (germline): Likely benign (0 of 4 stars; one submission).

Conditions:
IFT172-related disorder. Also called: IFT172-related disorders; IFT172-related condition.

Submission:

PreventionGenetics, part of Exact Sciences
Classification: Likely benign for IFT172-related condition. Last evaluated: 2024-04-12. Review status: no assertion criteria provided. Collection method: clinical testing. Allele origin: germline.
Comment: This variant is classified as likely benign based on ACMG/AMP sequence variant interpretation guidelines (Richards et al. 2015 PMID: 25741868, with internal and published modifications).

NM_015662.3(IFT172):c.3156C>T (p.Tyr1052=)

Gene: IFT172 (intraflagellar transport 172; minus strand). Cytogenetic location: 2p23.3.
Variant type: single nucleotide variant.
Coding change: c.3156C>T on transcript NM_015662.3 (MANE Select); coding-DNA position 3156, C replaced by T.
Protein change: p.Tyr1052=; no amino-acid change (tyrosine 1052 retained).
Molecular consequence: synonymous variant.
Genome position (GRCh38, 1-based): chr2:27,457,711, G>A on the plus strand (C>T on the coding strand, the complement: IFT172 is on the minus strand). VCF-style: chr2-27457711-G-A. GRCh37 (hg19) VCF-style: chr2-27680578-G-A.
Other names: c.3090C>T, p.Tyr1030= (NM_001410739.1).
Identifiers: ClinVar variation 3351847 (VCV003351847.1).